The following is an entry in ClinVar:

ClinVar aggregate classification (germline): Conflicting classifications of pathogenicity. Review status: criteria provided, conflicting classifications (1 of 4 stars). 3 submissions from 3 submitters: Uncertain significance (1); Likely benign (2). Last evaluated 2026-01-12.

Conditions:
Congenital sensory neuropathy with selective loss of small myelinated fibers (HSAN5). Also called: HSAN Type V. Identifiers: Orphanet 64752, MedGen C0020075, MONDO:0012092, OMIM 608654.
NGF-related disorder. Also called: NGF-related condition.

Allele frequency attached by ClinVar (database versions not stated): gnomAD 0.00016 and 0.00018; ESP Exome Variant Server 0.00023; TOPMed 0.00023.
gnomAD v4.1: 234 of 1,614,072 alleles (0.014%); highest among the groups gnomAD compares: Admixed American, 0.048%; no homozygotes.

Submissions (3):

Labcorp Genetics (formerly Invitae), Labcorp
Classification: Likely benign for Congenital sensory neuropathy with selective loss of small myelinated fibers. Last evaluated: 2026-01-12. Review status: criteria provided, single submitter. Criteria: Invitae Variant Classification Sherloc (09022015). Collection method: clinical testing. Allele origin: germline.

PreventionGenetics, part of Exact Sciences
Classification: Likely benign for NGF-related condition. Last evaluated: 2025-12-23. Review status: criteria provided, single submitter. Criteria: ACMG Guidelines, 2015. Collection method: clinical testing. Allele origin: germline.
Comment: This variant is classified as likely benign based on ACMG/AMP sequence variant interpretation guidelines (Richards et al. 2015 PMID: 25741868, with internal and published modifications).

Illumina Laboratory Services, Illumina
Classification: Uncertain significance for Congenital sensory neuropathy with selective loss of small myelinated fibers. Last evaluated: 2017-04-27. Review status: criteria provided, single submitter. Criteria: ICSL Variant Classification Criteria 13 December 2019. Collection method: clinical testing. Allele origin: germline.

NM_002506.3(NGF):c.165G>A (p.Pro55=)

Genes: NGF (nerve growth factor; minus strand), NGF-AS1 (NGF antisense RNA 1; plus strand). Cytogenetic location: 1p13.2.
Variant type: single nucleotide variant.
Coding change: c.165G>A on transcript NM_002506.3 (MANE Select); coding-DNA position 165, G replaced by A.
Protein change: p.Pro55=; no amino-acid change (proline 55 retained).
Molecular consequence: synonymous variant.
Genome position (GRCh38, 1-based): chr1:115,286,631, C>T on the plus strand (G>A on the coding strand, the complement: NGF is on the minus strand). VCF-style: chr1-115286631-C-T. GRCh37 (hg19) VCF-style: chr1-115829252-C-T.
Identifiers: ClinVar variation 526753 (VCV000526753.17), dbSNP rs149876217, ClinGen allele CA1023051.